The following is an entry in ClinVar:

NM_032119.4(ADGRV1):c.3245C>A (p.Pro1082Gln)

Gene: ADGRV1 (adhesion G protein-coupled receptor V1; plus strand). Cytogenetic location: 5q14.3.
Variant type: single nucleotide variant.
Coding change: c.3245C>A on transcript NM_032119.4 (MANE Select); coding-DNA position 3245, C replaced by A.
Protein change: p.Pro1082Gln; replaces proline 1082 with glutamine.
Molecular consequence: missense variant. On other transcripts: non-coding transcript variant (1).
Genome position (GRCh38, 1-based): chr5:90,647,720, C>A. VCF-style: chr5-90647720-C-A. GRCh37 (hg19) VCF-style: chr5-89943537-C-A.
Other names: short protein forms P1082Q.
Identifiers: ClinVar variation 1476262 (VCV001476262.6), dbSNP rs768921869, ClinGen allele CA360393941.

ClinVar aggregate classification (germline): Uncertain significance (1 of 4 stars; one submission).

Submission:

Labcorp Genetics (formerly Invitae), Labcorp
Classification: Uncertain significance. Last evaluated: 2022-05-12. Review status: criteria provided, single submitter. Criteria: Invitae Variant Classification Sherloc (09022015). Collection method: clinical testing. Allele origin: germline.
Comment: This variant has not been reported in the literature in individuals affected with ADGRV1-related conditions. In summary, the available evidence is currently insufficient to determine the role of this variant in disease. Therefore, it has been classified as a Variant of Uncertain Significance. Algorithms developed to predict the effect of missense changes on protein structure and function are either unavailable or do not agree on the potential impact of this missense change (SIFT: "Deleterious"; PolyPhen-2: "Probably Damaging"; Align-GVGD: "Class C0"). This variant is not present in population databases (gnomAD no frequency). This sequence change replaces proline, which is neutral and non-polar, with glutamine, which is neutral and polar, at codon 1082 of the ADGRV1 protein (p.Pro1082Gln).